The following is an entry in ClinVar:

ClinVar aggregate classification (germline): Uncertain significance (1 of 4 stars; one submission).

Submission:

Labcorp Genetics (formerly Invitae), Labcorp
Classification: Uncertain significance. Last evaluated: 2023-09-24. Review status: criteria provided, single submitter. Criteria: Invitae Variant Classification Sherloc (09022015). Collection method: clinical testing. Allele origin: unknown.
Comment: This variant has not been reported in the literature in individuals affected with TAF1-related conditions. Experimental studies and prediction algorithms are not available or were not evaluated, and the functional significance of this variant is currently unknown. In summary, the available evidence is currently insufficient to determine the role of this variant in disease. Therefore, it has been classified as a Variant of Uncertain Significance. This variant results in a copy number gain of the genomic region encompassing exon(s) 4-28 of the TAF1 gene. While the exact position of this variant cannot be determined from the data, sub-genic copy number gains are generally in tandem (PMID: 25640679). This variant is predicted to be in-frame, and likely preserves the integrity of the reading frame.

Literature cited by the submitters: PubMed 25640679.

NC_000023.10:g.(?_70594997)_(70628021_?)dup

Gene: TAF1 (TATA-box binding protein associated factor 1; plus strand). Cytogenetic location: Xq13.1.
Variant type: Duplication.
Identifiers: ClinVar variation 3246662 (VCV003246662.1).